The following is an entry in ClinVar:

ClinVar aggregate classification (germline): Conflicting classifications of pathogenicity. Review status: criteria provided, conflicting classifications (1 of 4 stars). 2 submissions from 2 submitters: Uncertain significance (1); Likely benign (1). Last evaluated 2025-02-27.

Conditions:
DYRK1A-related intellectual disability syndrome (MRD7). Also called: Intellectual developmental disorder, autosomal dominant 7; DYRK1A Syndrome. Identifiers: Orphanet 464306, MedGen C5568143, MONDO:0013578, OMIM 614104.

Submissions (2):

GeneDx
Classification: Uncertain significance. Last evaluated: 2025-02-27. Review status: criteria provided, single submitter. Criteria: GeneDx Variant Classification Process June 2021. Collection method: clinical testing. Allele origin: germline. Affected: yes.
Comment: Not observed at significant frequency in large population cohorts (gnomAD); In silico analysis supports that this missense variant has a deleterious effect on protein structure/function; Has not been previously published as pathogenic or benign to our knowledge

Labcorp Genetics (formerly Invitae), Labcorp
Classification: Likely benign for DYRK1A-related intellectual disability syndrome. Last evaluated: 2022-11-01. Review status: criteria provided, single submitter. Criteria: Invitae Variant Classification Sherloc (09022015). Collection method: clinical testing. Allele origin: germline.

NM_001347721.2(DYRK1A):c.488A>G (p.Gln163Arg)

Gene: DYRK1A (dual specificity tyrosine phosphorylation regulated kinase 1A; plus strand). Cytogenetic location: 21q22.13.
Variant type: single nucleotide variant.
Coding change: c.488A>G on transcript NM_001347721.2 (MANE Select); coding-DNA position 488, A replaced by G.
Protein change: p.Gln163Arg; replaces glutamine 163 with arginine.
Molecular consequence: missense variant.
Genome position (GRCh38, 1-based): chr21:37,480,825, A>G. VCF-style: chr21-37480825-A-G. GRCh37 (hg19) VCF-style: chr21-38853127-A-G.
Other names: c.488A>G, p.Gln163Arg (NM_001347722.2, NM_130436.2); c.401A>G, p.Gln134Arg (NM_001347723.2); c.515A>G, p.Gln172Arg (NM_001396.5, NM_101395.2, NM_130438.2); c.515A>G (NM_001396.3); short protein forms Q134R, Q163R, Q172R.
Identifiers: ClinVar variation 1423460 (VCV001423460.7), dbSNP rs2148582640, ClinGen allele CA409944715.